The following is an entry in ClinVar:

ClinVar aggregate classification (germline): Uncertain significance (1 of 4 stars; one submission).

Conditions:
FZD2-related disorder. Also called: FZD2-related condition.

Submission:

PreventionGenetics, part of Exact Sciences
Classification: Uncertain significance for FZD2-related condition. Last evaluated: 2023-04-02. Review status: criteria provided, single submitter. Criteria: ACMG Guidelines, 2015. Collection method: clinical testing. Allele origin: germline.
Comment: The FZD2 c.937G>C variant is predicted to result in the amino acid substitution p.Asp313His. To our knowledge, this variant has not been reported in the literature or in a large population database, indicating this variant is rare. At this time, the clinical significance of this variant is uncertain due to the absence of conclusive functional and genetic evidence.

NM_001466.4(FZD2):c.937G>C (p.Asp313His)

Gene: FZD2 (frizzled class receptor 2; plus strand). Cytogenetic location: 17q21.31.
Variant type: single nucleotide variant.
Coding change: c.937G>C on transcript NM_001466.4 (MANE Select); coding-DNA position 937, G replaced by C.
Protein change: p.Asp313His; replaces aspartic acid 313 with histidine.
Molecular consequence: missense variant.
Genome position (GRCh38, 1-based): chr17:44,558,625, G>C. VCF-style: chr17-44558625-G-C. GRCh37 (hg19) VCF-style: chr17-42635993-G-C.
Other names: short protein forms D313H.
Identifiers: ClinVar variation 2633385 (VCV002633385.1), dbSNP rs2544584399, ClinGen allele CA399795771.